The following is an entry in ClinVar:

ClinVar aggregate classification (germline): Conflicting classifications of pathogenicity. Review status: criteria provided, conflicting classifications (1 of 4 stars). 3 submissions from 3 submitters: Uncertain significance (1); Likely benign (1). 1 of the submissions does not count toward it. Last evaluated 2025-02-16.

Conditions:
Van Maldergem syndrome 2 (VMLDS2). Identifiers: Orphanet 314679, MedGen C3809875, MONDO:0014242, OMIM 615546.
Hennekam lymphangiectasia-lymphedema syndrome 2 (HKLLS2). Identifiers: Orphanet 2136, MedGen C4014939, MONDO:0014454, OMIM 616006.
FAT4-related disorder. Also called: FAT4-related condition.

Allele frequency attached by ClinVar (database versions not stated): ExAC 0.00001; gnomAD exomes 0.00001; gnomAD 0.00002; TOPMed 0.00002.
gnomAD v4.1: 17 of 1,613,992 alleles (0.0011%); highest among the groups gnomAD compares: Non-Finnish European, 0.0013%; no homozygotes.

Submissions (3):

Labcorp Genetics (formerly Invitae), Labcorp
Classification: Likely benign. Last evaluated: 2025-02-16. Review status: criteria provided, single submitter. Criteria: Invitae Variant Classification Sherloc (09022015). Collection method: clinical testing. Allele origin: germline.

Fulgent Genetics
Classification: Uncertain significance for Van Maldergem syndrome 2; Hennekam lymphangiectasia-lymphedema syndrome 2. Last evaluated: 2023-12-27. Review status: criteria provided, single submitter. Criteria: ACMG Guidelines, 2015. Collection method: clinical testing. Allele origin: germline.

PreventionGenetics, part of Exact Sciences
Classification: Likely benign for FAT4-related condition. Last evaluated: 2019-07-23. Review status: no assertion criteria provided. Collection method: clinical testing. Allele origin: germline. Not counted in ClinVar's aggregate classification.
Comment: This variant is classified as likely benign based on ACMG/AMP sequence variant interpretation guidelines (Richards et al. 2015 PMID: 25741868, with internal and published modifications).

NM_001291303.3(FAT4):c.3327C>T (p.Phe1109=)

Gene: FAT4 (FAT atypical cadherin 4; plus strand). Cytogenetic location: 4q28.1.
Variant type: single nucleotide variant.
Coding change: c.3327C>T on transcript NM_001291303.3 (MANE Select); coding-DNA position 3327, C replaced by T.
Protein change: p.Phe1109=; no amino-acid change (phenylalanine 1109 retained).
Molecular consequence: synonymous variant.
Genome position (GRCh38, 1-based): chr4:125,319,738, C>T. VCF-style: chr4-125319738-C-T. GRCh37 (hg19) VCF-style: chr4-126240893-C-T.
Other names: c.3327C>T, p.Phe1109= (NM_001291285.3, NM_024582.6); c.3327C>T (NM_024582.4, NM_024582.5).
Identifiers: ClinVar variation 2189137 (VCV002189137.7), dbSNP rs763960674, ClinGen allele CA3072297.